The following is an entry in ClinVar:

ClinVar aggregate classification (germline): Likely benign. Review status: criteria provided, multiple submitters, no conflicts (2 of 4 stars). 4 submissions from 4 submitters: Likely benign (4). Last evaluated 2025-03-16.

Conditions:
Cardiovascular phenotype. Identifiers: MedGen CN230736.
Myofibrillar myopathy 5. Also called: FILAMINOPATHY, AUTOSOMAL DOMINANT; Filaminopathy (type). Identifiers: Orphanet 171445, MedGen C1836050, MONDO:0012289, OMIM 609524.
Distal myopathy with posterior leg and anterior hand involvement. Also called: WILLIAMS DISTAL MYOPATHY. Identifiers: Orphanet 63273, MedGen C3279722, MONDO:0013550, OMIM 614065.
Hypertrophic cardiomyopathy 26. Also called: Cardiomyopathy, familial hypertrophic, 26. Identifiers: Orphanet 75249, MedGen C4310749, MONDO:0014883, OMIM 617047.

Allele frequency attached by ClinVar (database versions not stated): gnomAD exomes below 0.00001 and 0.00001; ExAC 0.00001; TOPMed 0.00001.
gnomAD v4.1: 7 of 1,613,498 alleles (0.00043%); highest among the groups gnomAD compares: Non-Finnish European, 0.00059%; no homozygotes.

Submissions (4):

Labcorp Genetics (formerly Invitae), Labcorp
Classification: Likely benign for Distal myopathy with posterior leg and anterior hand involvement; Myofibrillar myopathy 5; Hypertrophic cardiomyopathy 26. Last evaluated: 2025-03-16. Review status: criteria provided, single submitter. Criteria: Invitae Variant Classification Sherloc (09022015). Collection method: clinical testing. Allele origin: germline.

CeGaT Center for Human Genetics Tuebingen
Classification: Likely benign. Last evaluated: 2024-06-01. Review status: criteria provided, single submitter. Criteria: CeGaT Center For Human Genetics Tuebingen Variant Classification Criteria Version 2. Collection method: clinical testing. Allele origin: germline. Affected: yes. Observed: 1 variant allele.
Comment: FLNC: BP4, BP7

Ambry Genetics
Classification: Likely benign for Cardiovascular phenotype. Last evaluated: 2019-08-02. Review status: criteria provided, single submitter. Criteria: Ambry Variant Classification Scheme 2023. Collection method: clinical testing. Allele origin: germline.

GeneDx
Classification: Likely benign. Last evaluated: 2017-01-19. Review status: criteria provided, single submitter. Criteria: GeneDx Variant Classification (06012015). Collection method: clinical testing. Allele origin: germline. Affected: yes.
Comment: This variant is considered likely benign or benign based on one or more of the following criteria: it is a conservative change, it occurs at a poorly conserved position in the protein, it is predicted to be benign by multiple in silico algorithms, and/or has population frequency not consistent with disease.

NM_001458.5(FLNC):c.5310G>A (p.Glu1770=)

Genes: FLNC (filamin C; plus strand), FLNC-AS1 (FLNC antisense RNA 1; minus strand). Cytogenetic location: 7q32.1.
Variant type: single nucleotide variant.
Coding change: c.5310G>A on transcript NM_001458.5 (MANE Select); coding-DNA position 5310, G replaced by A.
Protein change: p.Glu1770=; no amino-acid change (glutamic acid 1770 retained).
Molecular consequence: synonymous variant. On other transcripts: non-coding transcript variant (1).
Genome position (GRCh38, 1-based): chr7:128,850,395, G>A. VCF-style: chr7-128850395-G-A. GRCh37 (hg19) VCF-style: chr7-128490449-G-A.
Other names: c.5211G>A, p.Glu1737= (NM_001127487.2).
Identifiers: ClinVar variation 506848 (VCV000506848.30), dbSNP rs777868799, ClinGen allele CA4475653.